The following is an entry in ClinVar:

ClinVar aggregate classification (germline): Pathogenic (1 of 4 stars; one submission).

Conditions:
Mowat-Wilson syndrome (MOWS). Also called: Classic Mowat-Wilson Syndrome. Identifiers: Orphanet 2152, MedGen C1856113, MONDO:0009341, OMIM 235730.

Submission:

Labcorp Genetics (formerly Invitae), Labcorp
Classification: Pathogenic for Mowat-Wilson syndrome. Last evaluated: 2021-11-05. Review status: criteria provided, single submitter. Criteria: Invitae Variant Classification Sherloc (09022015). Collection method: clinical testing. Allele origin: germline.
Comment: For these reasons, this variant has been classified as Pathogenic. This variant has not been reported in the literature in individuals affected with ZEB2-related conditions. This variant is not present in population databases (gnomAD no frequency). This sequence change creates a premature translational stop signal (p.Thr544Tyrfs*2) in the ZEB2 gene. It is expected to result in an absent or disrupted protein product. Loss-of-function variants in ZEB2 are known to be pathogenic (PMID: 16053902).

Literature cited by the submitters: PubMed 16053902.

NM_014795.4(ZEB2):c.1630_1631del (p.Thr544fs)

Gene: ZEB2 (zinc finger E-box binding homeobox 2; minus strand). Cytogenetic location: 2q22.3.
Variant type: Deletion.
Coding change: c.1630_1631del on transcript NM_014795.4 (MANE Select); coding-DNA positions 1630 to 1631, 2 bases deleted (AC; older notation c.1630_1631delAC).
Protein change: p.Thr544fs; shifts the reading frame from threonine 544.
Molecular consequence: frameshift variant.
Genome position (GRCh38, 1-based): chr2:144,399,556-144,399,557, GT deleted on the plus strand (AC on the coding strand, the reverse complement: ZEB2 is on the minus strand). VCF-style (leftmost placement, unchanged base first): chr2-144399555-AGT-A. GRCh37 (hg19) VCF-style: chr2-145157122-AGT-A.
Other names: c.1558_1559del, p.Thr520fs (NM_001171653.2); short protein forms T520fs, T544fs.
Identifiers: ClinVar variation 1376989 (VCV001376989.6), dbSNP rs2149877154, ClinGen allele CA2573133282.